The following is an entry in ClinVar:

ClinVar aggregate classification (germline): Conflicting classifications of pathogenicity. Review status: criteria provided, conflicting classifications (1 of 4 stars). 8 submissions from 8 submitters: Uncertain significance (6); Likely benign (1). 1 of the submissions does not count toward it. Last evaluated 2025-08-12.

Conditions:
Spermatogenic failure 28. Identifiers: MedGen C4748117, MONDO:0054732, OMIM 618086.
FANCM-related disorder. Also called: FANCM-related condition.
Premature ovarian failure 15. Identifiers: MedGen C4748170, MONDO:0054862, OMIM 618096.
Hereditary breast ovarian cancer syndrome. Also called: Hereditary breast and ovarian cancer syndrome; Hereditary breast and ovarian cancer syndrome (HBOC); Hereditary breast and ovarian cancer; Hereditary breast and/or ovarian cancer syndrome; BRCA1- and BRCA2-Associated Hereditary Breast and Ovarian Cancer; Breast and ovarian cancer. Identifiers: Orphanet 145, MedGen C0677776, MeSH D061325, MONDO:0003582. Disease mechanism: loss of function.
Fanconi anemia (FA). Also called: Fanconi's anemia. Identifiers: Orphanet 84, MedGen C0015625, MeSH D005199, MONDO:0019391.

Allele frequency attached by ClinVar (database versions not stated): gnomAD exomes 0.00011 and 0.00035; gnomAD 0.00014 and 0.00015; TOPMed 0.00017; ExAC 0.00033.
gnomAD v4.1: 185 of 1,613,462 alleles (0.011%); highest among the groups gnomAD compares: East Asian, 0.14%; no homozygotes.

Submissions (8):

Quest Diagnostics Nichols Institute San Juan Capistrano
Classification: Likely benign. Last evaluated: 2025-08-12. Review status: criteria provided, single submitter. Criteria: Quest Diagnostics criteria. Collection method: clinical testing. Allele origin: unknown.

GeneDx
Classification: Uncertain significance. Last evaluated: 2025-05-18. Review status: criteria provided, single submitter. Criteria: GeneDx Variant Classification Process June 2021. Collection method: clinical testing. Allele origin: germline. Affected: yes.
Comment: In silico analysis supports that this missense variant has a deleterious effect on protein structure/function; Identified in individuals with breast or ovarian cancer, in an individual with retinoblastoma, and in unaffected controls (PMID: 26689913, 28881617, 33471991); This variant is associated with the following publications: (PMID: 29760528, 26689913, 25668207, 32566746, 28881617, 31921681, 33471991, 37833038, 37349538)

Labcorp Genetics (formerly Invitae), Labcorp
Classification: Uncertain significance for Fanconi anemia. Last evaluated: 2025-01-06. Review status: criteria provided, single submitter. Criteria: Invitae Variant Classification Sherloc (09022015). Collection method: clinical testing. Allele origin: germline.
Comment: This sequence change replaces arginine, which is basic and polar, with cysteine, which is neutral and slightly polar, at codon 581 of the FANCM protein (p.Arg581Cys). This variant is present in population databases (rs202171930, gnomAD 0.2%). This missense change has been observed in individual(s) with breast and/or ovarian cancer (PMID: 26689913, 31921681). ClinVar contains an entry for this variant (Variation ID: 313200). An algorithm developed to predict the effect of missense changes on protein structure and function (PolyPhen-2) suggests that this variant is likely to be disruptive. In summary, the available evidence is currently insufficient to determine the role of this variant in disease. Therefore, it has been classified as a Variant of Uncertain Significance.

Fulgent Genetics
Classification: Uncertain significance for Spermatogenic failure 28; Premature ovarian failure 15. Last evaluated: 2024-05-30. Review status: criteria provided, single submitter. Criteria: ACMG Guidelines, 2015. Collection method: clinical testing. Allele origin: germline.

Blueprint Genetics
Classification: Uncertain significance. Last evaluated: 2024-05-23. Review status: criteria provided, single submitter. Criteria: ACMG Guidelines, 2015. Collection method: clinical testing. Allele origin: germline.

Baylor Genetics
Classification: Uncertain significance for Spermatogenic failure 28. Last evaluated: 2022-01-12. Review status: criteria provided, single submitter. Criteria: ACMG Guidelines, 2015. Collection method: clinical testing. Allele origin: paternal. Affected: yes. Study: CSER-TexasKidsCanSeq.
Comment: This variant was determined to be of uncertain significance according to ACMG Guidelines, 2015 [PMID:25741868].

Cancer Genomics Group, Japanese Foundation For Cancer Research
Classification: Uncertain significance for Hereditary breast and ovarian cancer syndrome. Last evaluated: 2019-05-01. Review status: criteria provided, single submitter. Criteria: ACMG Guidelines, 2015. Collection method: research. Allele origin: germline. Affected: yes.

PreventionGenetics, part of Exact Sciences
Classification: Uncertain significance for FANCM-related condition. Last evaluated: 2023-11-03. Review status: no assertion criteria provided. Collection method: clinical testing. Allele origin: germline. Not counted in ClinVar's aggregate classification.
Comment: The FANCM c.1741C>T variant is predicted to result in the amino acid substitution p.Arg581Cys. This variant has been reported in an individual with ovarian cancer and in another individual with breast cancer as a part of The Cancer Genome Atlas (Supplementary Data 12, Lu et al. 2015, PubMedID: 26689913). This variant is reported in 0.21% of alleles in individuals of East Asian descent in gnomAD and has been interpreted as variant of uncertain significance in the ClinVar database. At this time, the clinical significance of this variant is uncertain due to the absence of conclusive functional and genetic evidence.

Literature cited by the submitters: PubMed 37349538 (cited by Quest Diagnostics Nichols Institute San Juan Capistrano); PubMed 33471991 (cited by Quest Diagnostics Nichols Institute San Juan Capistrano); PubMed 28881617 (cited by Quest Diagnostics Nichols Institute San Juan Capistrano); PubMed 29760528 (cited by Quest Diagnostics Nichols Institute San Juan Capistrano); PubMed 26689913 (cited by Quest Diagnostics Nichols Institute San Juan Capistrano and Labcorp Genetics (formerly Invitae), Labcorp); PubMed 31921681 (cited by Quest Diagnostics Nichols Institute San Juan Capistrano and Labcorp Genetics (formerly Invitae), Labcorp).

NM_020937.4(FANCM):c.1741C>T (p.Arg581Cys)

Gene: FANCM (FA complementation group M; plus strand). Cytogenetic location: 14q21.2.
Variant type: single nucleotide variant.
Coding change: c.1741C>T on transcript NM_020937.4 (MANE Select); coding-DNA position 1741, C replaced by T.
Protein change: p.Arg581Cys; replaces arginine 581 with cysteine.
Molecular consequence: missense variant.
Genome position (GRCh38, 1-based): chr14:45,164,518, C>T. VCF-style: chr14-45164518-C-T. GRCh37 (hg19) VCF-style: chr14-45633721-C-T.
Other names: c.1663C>T, p.Arg555Cys (NM_001308133.2); c.1741C>T, p.Arg581Cys (NM_001308134.2); short protein forms R581C, R555C.
Identifiers: ClinVar variation 313200 (VCV000313200.34), dbSNP rs202171930, ClinGen allele CA7169137.